The following is an entry in ClinVar:

ClinVar aggregate classification (germline): Pathogenic (1 of 4 stars; one submission).

Conditions:
Mucopolysaccharidosis, MPS-II (MPS2). Also called: Hunter Syndrome; IDURONATE 2-SULFATASE DEFICIENCY; Mucopolysaccharidosis Type II; Mucopolysaccharidosis type 2; Attenuated MPS (subtype; formerly known as mild MPS II); Severe MPS II. Identifiers: Orphanet 580, Orphanet 79388, MedGen C0026705, MONDO:0010674, OMIM 309900.

Submission:

Laboratory of Diagnosis and Therapy of Lysosomal Disorders, University of Padova
Classification: Pathogenic for Mucopolysaccharidosis, MPS-II. Last evaluated: 2024-06-07. Review status: criteria provided, single submitter. Criteria: ACMG Guidelines, 2015. Collection method: literature only. Allele origin: germline. Affected: yes. Observed: 2 variant alleles.
Comment: Null variant (PVS1_VeryStrong), Absent from controls (or at low frequency) in gnomAD database (PM2_Moderate), Patient’s phenotype or family history highly specific for the disease (PP4_Strong)

Classification method: ACMG Guidelines [PMID:25741868] with modifications

Literature cited by the submitters: PubMed 10447264; PubMed 9875019.

NM_000202.8(IDS):c.653dup (p.Phe220fs)

Genes: IDS (iduronate 2-sulfatase; minus strand), LOC106050102 (IDS recombination region; plus strand). Cytogenetic location: Xq28.
Variant type: Duplication.
Coding change: c.653dup on transcript NM_000202.8 (MANE Select); coding-DNA position 653, one base duplicated (C; older notation c.653dupC).
Protein change: p.Phe220fs; shifts the reading frame from phenylalanine 220.
Molecular consequence: frameshift variant. On other transcripts: non-coding transcript variant (1).
Genome position (GRCh38, 1-based): chrX:149,498,162, G duplicated on the plus strand (C on the coding strand, the reverse complement: IDS is on the minus strand); the first of 2 consecutive G bases (chrX:149,498,162-149,498,163); duplicating either gives the same sequence. VCF-style (leftmost placement, unchanged base first): chrX-149498161-A-AG. GRCh37 (hg19) VCF-style: chrX-148579692-A-AG.
Other names: c.383dup, p.Phe130fs (NM_001166550.4); c.653dup, p.Phe220fs (NM_006123.5); short protein forms F130fs, F220fs.
Identifiers: ClinVar variation 3255788 (VCV003255788.2).